The following is an entry in ClinVar:

NM_001098816.3(TENM4):c.346G>A (p.Asp116Asn)

Gene: TENM4 (teneurin transmembrane protein 4; minus strand). Cytogenetic location: 11q14.1.
Variant type: single nucleotide variant.
Coding change: c.346G>A on transcript NM_001098816.3 (MANE Select); coding-DNA position 346, G replaced by A.
Protein change: p.Asp116Asn; replaces aspartic acid 116 with asparagine.
Molecular consequence: missense variant.
Genome position (GRCh38, 1-based): chr11:79,064,885, C>T on the plus strand (G>A on the coding strand, the complement: TENM4 is on the minus strand). VCF-style: chr11-79064885-C-T. GRCh37 (hg19) VCF-style: chr11-78775930-C-T.
Other names: short protein forms D116N.
Identifiers: ClinVar variation 1031826 (VCV001031826.1), dbSNP rs928920799, ClinGen allele CA225155012.

ClinVar aggregate classification (germline): Uncertain significance (1 of 4 stars; one submission).

Conditions:
Tremor, hereditary essential, 5 (ETM5). Identifiers: MedGen C4225223, MONDO:0014756, OMIM 616736.

Allele frequency attached by ClinVar (database versions not stated): gnomAD 0.00003; TOPMed 0.00003.
gnomAD v4.1: 22 of 1,549,984 alleles (0.0014%); highest among the groups gnomAD compares: African/African-American, 0.0082%; no homozygotes.

Submission:

Baylor Genetics
Classification: Uncertain significance for Tremor, hereditary essential, 5. Last evaluated: 2018-12-12. Review status: criteria provided, single submitter. Criteria: ACMG Guidelines, 2015. Collection method: clinical testing. Allele origin: paternal. Affected: yes.
Comment: This variant was determined to be of uncertain significance according to ACMG Guidelines, 2015 [PMID:25741868].